The following is an entry in ClinVar:

NM_173354.5(SIK1):c.766C>T (p.Arg256Cys)

Gene: SIK1 (salt inducible kinase 1; minus strand). Cytogenetic location: 21q22.3.
Variant type: single nucleotide variant.
Coding change: c.766C>T on transcript NM_173354.5 (MANE Select); coding-DNA position 766, C replaced by T.
Protein change: p.Arg256Cys; replaces arginine 256 with cysteine.
Molecular consequence: missense variant.
Genome position (GRCh38, 1-based): chr21:43,420,440, G>A on the plus strand (C>T on the coding strand, the complement: SIK1 is on the minus strand). VCF-style: chr21-43420440-G-A. GRCh37 (hg19) VCF-style: chr21-44840320-G-A.
Other names: short protein forms R256C.
Identifiers: ClinVar variation 3667969 (VCV003667969.2).
Genomic context (GRCh38, chr21:43,420,440, plus strand): 5'-GGTGCTGCCGGATCTGGGCGATGGTGATGCGCCTGGCGGGGTCCACCACCAGCATGCGGC[G>A]GATCAGGCTCTCACAGTCTGTGGAGGGGCCAGGAGGCTGAGCCAGGGCGGCCGGGACCTC-3'
Protein context (NP_775490.2, residues 246-266): FMSQDCESLI[Arg256Cys]RMLVVDPARR

ClinVar aggregate classification (germline): Uncertain significance (1 of 4 stars; one submission).

Conditions:
Developmental and epileptic encephalopathy, 30 (DEE30). Also called: Epileptic encephalopathy, early infantile, 30. Identifiers: MedGen C4225360, MONDO:0014595, OMIM 616341.

Submission:

Labcorp Genetics (formerly Invitae), Labcorp
Classification: Uncertain significance for Developmental and epileptic encephalopathy, 30. Last evaluated: 2024-09-27. Review status: criteria provided, single submitter. Criteria: Invitae Variant Classification Sherloc (09022015). Collection method: clinical testing. Allele origin: germline.
Comment: This sequence change replaces arginine, which is basic and polar, with cysteine, which is neutral and slightly polar, at codon 256 of the SIK1 protein (p.Arg256Cys). The frequency data for this variant in the population databases is considered unreliable, as metrics indicate poor data quality at this position in the gnomAD database. This variant has not been reported in the literature in individuals affected with SIK1-related conditions. An algorithm developed to predict the effect of missense changes on protein structure and function (PolyPhen-2) suggests that this variant is likely to be disruptive. In summary, the available evidence is currently insufficient to determine the role of this variant in disease. Therefore, it has been classified as a Variant of Uncertain Significance.